The following is an entry in ClinVar:

ClinVar aggregate classification (germline): Pathogenic/Likely pathogenic. Review status: criteria provided, multiple submitters, no conflicts (2 of 4 stars). 4 submissions from 4 submitters: Pathogenic (1); Likely pathogenic (3). Last evaluated 2025-11-12.

Conditions:
Combined oxidative phosphorylation deficiency 44. Also called: FASTKD2-Related Combined Oxidative Phosphorylation Deficiency. Identifiers: MedGen C5394293, MONDO:0030020, OMIM 618855.

Allele frequency attached by ClinVar (database versions not stated): gnomAD exomes 0.00003 and 0.00008; ExAC 0.00005; gnomAD 0.00009 and 0.00010.
gnomAD v4.1: 58 of 1,486,664 alleles (0.0039%); highest among the groups gnomAD compares: Non-Finnish European, 0.0016%; no homozygotes.

Submissions (4):

Dasa
Classification: Likely pathogenic. Last evaluated: 2025-11-12. Review status: criteria provided, single submitter. Criteria: DASA Assertion Criteria. Collection method: clinical testing. Allele origin: germline.
Comment: NM_001136193.2(FASTKD2):c.882-1G>A affects a canonical splice site and is predicted to disrupt normal RNA splicing. Loss of function is an established disease mechanism for FASTKD2-associated disorders. Also, this variant is rare in population databases. Based on the currently available evidence, this variant is classified as likely pathogenic.

GeneDx
Classification: Likely pathogenic. Last evaluated: 2025-06-30. Review status: criteria provided, single submitter. Criteria: GeneDx Variant Classification Process June 2021. Collection method: clinical testing. Allele origin: germline. Affected: yes.
Comment: Canonical splice site variant predicted to result in a null allele in a gene for which loss of function is a known mechanism of disease; This variant is associated with the following publications: (PMID: 38111113)

Mendelics
Classification: Pathogenic for Combined oxidative phosphorylation deficiency 44. Last evaluated: 2022-05-04. Review status: criteria provided, single submitter. Criteria: Mendelics Assertion Criteria 2019. Collection method: clinical testing. Allele origin: germline.

Fulgent Genetics
Classification: Likely pathogenic for Combined oxidative phosphorylation deficiency 44. Last evaluated: 2021-08-23. Review status: criteria provided, single submitter. Criteria: ACMG Guidelines, 2015. Collection method: clinical testing. Allele origin: unknown.

NM_001136193.2(FASTKD2):c.882-1G>A

Gene: FASTKD2 (FASTK mitochondrial RNA regulator 2; plus strand). Cytogenetic location: 2q33.3.
Variant type: single nucleotide variant.
Coding change: c.882-1G>A on transcript NM_001136193.2 (MANE Select); the canonical splice acceptor site of the intron before coding-DNA position 882, G replaced by A.
Molecular consequence: splice acceptor variant.
Genome position (GRCh38, 1-based): chr2:206,771,181, G>A. VCF-style: chr2-206771181-G-A. GRCh37 (hg19) VCF-style: chr2-207635905-G-A.
Other names: c.882-1G>A (NM_001136194.2, NM_014929.4).
Identifiers: ClinVar variation 1685815 (VCV001685815.5), dbSNP rs767682048, ClinGen allele CA2074996.
Genomic context (GRCh38, chr2:206,771,181, plus strand): 5'-TAAGATTTTTCTTCTGCTTTGAAGATTCTATGATTTTAATATTTATTGTGTTTGATAACA[G>A]AATACTAGTTGATCAGCAAGTTTGGAAAATAGAAGATGTCTTCACATTACAAGTTGTGAT-3'